The following is an entry in ClinVar:

NM_004646.4(NPHS1):c.1621dup (p.Val541fs)

Gene: NPHS1 (NPHS1 adhesion molecule, nephrin; minus strand). Cytogenetic location: 19q13.12.
Variant type: Duplication.
Coding change: c.1621dup on transcript NM_004646.4 (MANE Select); coding-DNA position 1621, one base duplicated (G; older notation c.1621dupG).
Protein change: p.Val541fs; shifts the reading frame from valine 541.
Molecular consequence: frameshift variant.
Genome position (GRCh38, 1-based): chr19:35,846,014, C duplicated on the plus strand (G on the coding strand, the reverse complement: NPHS1 is on the minus strand); the first of 2 consecutive C bases (chr19:35,846,014-35,846,015); duplicating either gives the same sequence. VCF-style (leftmost placement, unchanged base first): chr19-35846013-A-AC. GRCh37 (hg19) VCF-style: chr19-36336915-A-AC.
Other names: short protein forms V541fs.
Identifiers: ClinVar variation 5011858 (VCV005011858.1).

ClinVar aggregate classification (germline): Pathogenic (1 of 4 stars; one submission).

Conditions:
Finnish congenital nephrotic syndrome (NPHS1). Also called: NEPHROTIC SYNDROME, TYPE 1. Identifiers: Orphanet 839, MedGen C0403399, MONDO:0009732, OMIM 256300.

Submission:

Myriad Genetics, Inc.
Classification: Pathogenic for Finnish congenital nephrotic syndrome. Last evaluated: 2023-09-27. Review status: criteria provided, single submitter. Criteria: Myriad Autosomal Dominant, Autosomal Recessive and X-Linked Classification Criteria (2023). Collection method: clinical testing. Allele origin: unknown.
Comment: NM_004646.3(NPHS1):c.1621dupG(V541Gfs*7) is expected to be pathogenic in the context of nephrotic syndrome, NPHS1-related. This variant is predicted to lead to an abnormal or absent protein product due to the creation of a premature termination codon in NPHS1, a gene where loss-of-function variants are known to be pathogenic. Please note: this variant was assessed in the context of healthy population screening.